The following is an entry in ClinVar:

NM_006267.5(RANBP2):c.1636G>A (p.Gly546Arg)

Gene: RANBP2 (RAN binding protein 2; plus strand). Cytogenetic location: 2q13.
Variant type: single nucleotide variant.
Coding change: c.1636G>A on transcript NM_006267.5 (MANE Select); coding-DNA position 1636, G replaced by A.
Protein change: p.Gly546Arg; replaces glycine 546 with arginine.
Molecular consequence: missense variant.
Genome position (GRCh38, 1-based): chr2:108,751,875, G>A. VCF-style: chr2-108751875-G-A. GRCh37 (hg19) VCF-style: chr2-109368331-G-A.
Other names: c.1636G>A, p.Gly546Arg (NM_001415871.1, NM_001415873.1); c.1633G>A, p.Gly545Arg (NM_001415872.1); short protein forms G546R, G545R.
Identifiers: ClinVar variation 3665430 (VCV003665430.2).

ClinVar aggregate classification (germline): Uncertain significance (1 of 4 stars; one submission).

Conditions:
Familial acute necrotizing encephalopathy (IIAE3). Also called: ENCEPHALOPATHY, ACUTE, INFECTION-INDUCED, SUSCEPTIBILITY TO, 3; Susceptibility to Acute Necrotizing Encephalopathy 1. Identifiers: Orphanet 88619, MedGen C2675556, MONDO:0011953, OMIM 608033.

gnomAD v4.1: 1 of 1,611,886 alleles (0.000062%); highest among the groups gnomAD compares: Non-Finnish European, 0.000085%; no homozygotes.

Submission:

Labcorp Genetics (formerly Invitae), Labcorp
Classification: Uncertain significance for Familial acute necrotizing encephalopathy. Last evaluated: 2024-04-25. Review status: criteria provided, single submitter. Criteria: Invitae Variant Classification Sherloc (09022015). Collection method: clinical testing. Allele origin: germline.
Comment: This sequence change replaces glycine, which is neutral and non-polar, with arginine, which is basic and polar, at codon 546 of the RANBP2 protein (p.Gly546Arg). This variant is present in population databases (no rsID available, gnomAD 0.007%). This variant has not been reported in the literature in individuals affected with RANBP2-related conditions. An algorithm developed to predict the effect of missense changes on protein structure and function (PolyPhen-2) suggests that this variant is likely to be tolerated. Algorithms developed to predict the effect of sequence changes on RNA splicing suggest that this variant may disrupt the consensus splice site. In summary, the available evidence is currently insufficient to determine the role of this variant in disease. Therefore, it has been classified as a Variant of Uncertain Significance.